The following is an entry in ClinVar:

NM_002716.5(PPP2R1B):c.216T>C (p.Tyr72=)

Gene: PPP2R1B (protein phosphatase 2 scaffold subunit Abeta; minus strand). Cytogenetic location: 11q23.1.
Variant type: single nucleotide variant.
Coding change: c.216T>C on transcript NM_002716.5 (MANE Select); coding-DNA position 216, T replaced by C.
Protein change: p.Tyr72=; no amino-acid change (tyrosine 72 retained).
Molecular consequence: synonymous variant. On other transcripts: intron variant (1).
Genome position (GRCh38, 1-based): chr11:111,764,895, A>G on the plus strand (T>C on the coding strand, the complement: PPP2R1B is on the minus strand). VCF-style: chr11-111764895-A-G. GRCh37 (hg19) VCF-style: chr11-111635619-A-G.
Other names: c.216T>C, p.Tyr72= (NM_001177562.2, NM_001177563.2, NM_181699.3); c.114+1353T>C (NM_181700.2).
Identifiers: ClinVar variation 2642365 (VCV002642365.24), dbSNP rs61757743, ClinGen allele CA6274154.

ClinVar aggregate classification (germline): Likely benign (1 of 4 stars; one submission).

Allele frequency attached by ClinVar (database versions not stated): 1000 Genomes Project 0.00459; 1000 Genomes Project 30x 0.00531; gnomAD 0.00655; ExAC 0.00712; TOPMed 0.00751; ESP Exome Variant Server 0.00816; gnomAD exomes 0.00832.
gnomAD v4.1: 13,163 of 1,613,890 alleles (0.82%); highest among the groups gnomAD compares: Middle Eastern, 2.5%; 69 homozygotes.

Submission:

CeGaT Center for Human Genetics Tuebingen
Classification: Likely benign. Last evaluated: 2023-01-01. Review status: criteria provided, single submitter. Criteria: CeGaT Center For Human Genetics Tuebingen Variant Classification Criteria Version 2. Collection method: clinical testing. Allele origin: germline. Affected: yes. Observed: 2 variant alleles.
Comment: PPP2R1B: BP4, BP7, BS2